The following is an entry in ClinVar:

NM_033026.6(PCLO):c.15164T>C (p.Val5055Ala)

Gene: PCLO (piccolo presynaptic cytomatrix protein; minus strand). Cytogenetic location: 7q21.11.
Variant type: single nucleotide variant.
Coding change: c.15164T>C on transcript NM_033026.6 (MANE Select); coding-DNA position 15164, T replaced by C.
Protein change: p.Val5055Ala; replaces valine 5055 with alanine.
Molecular consequence: missense variant.
Genome position (GRCh38, 1-based): chr7:82,760,763, A>G on the plus strand (T>C on the coding strand, the complement: PCLO is on the minus strand). VCF-style: chr7-82760763-A-G. GRCh37 (hg19) VCF-style: chr7-82390079-A-G.
Other names: short protein forms V5055A.
Identifiers: ClinVar variation 1941815 (VCV001941815.5), dbSNP rs1412059677, ClinGen allele CA368019784.

ClinVar aggregate classification (germline): Uncertain significance (1 of 4 stars; one submission).

Submission:

Labcorp Genetics (formerly Invitae), Labcorp
Classification: Uncertain significance. Last evaluated: 2023-12-06. Review status: criteria provided, single submitter. Criteria: Invitae Variant Classification Sherloc (09022015). Collection method: clinical testing. Allele origin: germline.
Comment: This sequence change replaces valine, which is neutral and non-polar, with alanine, which is neutral and non-polar, at codon 5055 of the PCLO protein (p.Val5055Ala). This variant is present in population databases (no rsID available, gnomAD 0.3%). This variant has not been reported in the literature in individuals affected with PCLO-related conditions. ClinVar contains an entry for this variant (Variation ID: 1941815). Experimental studies and prediction algorithms are not available or were not evaluated, and the functional significance of this variant is currently unknown. In summary, the available evidence is currently insufficient to determine the role of this variant in disease. Therefore, it has been classified as a Variant of Uncertain Significance.